The following is an entry in ClinVar:

ClinVar aggregate classification (germline): Benign. Review status: criteria provided, multiple submitters, no conflicts (2 of 4 stars). 3 submissions from 3 submitters: Benign (3). Last evaluated 2026-04-14.

Conditions:
Low phospholipid associated cholelithiasis (GBD1). Also called: Gallstone cholecystitis; Gallbladder disease 1. Identifiers: Orphanet 69663, MedGen C2609268, MONDO:0010939, OMIM 600803.
Familial intrahepatic cholestasis. Identifiers: Orphanet 284385, MedGen CN296401, MONDO:0017290.

Allele frequency attached by ClinVar (database versions not stated): 1000 Genomes Project 0.01058; 1000 Genomes Project 30x 0.01062; TOPMed 0.02374; gnomAD 0.03165 and 0.03353; gnomAD exomes 0.03635.
gnomAD v4.1: 44,090 of 1,238,924 alleles (3.6%); highest among the groups gnomAD compares: Non-Finnish European, 3.9%; 1,107 homozygotes.

Submissions (3):

Genomenon, Inc
Classification: Benign for Familial intrahepatic cholestasis; Low phospholipid associated cholelithiasis. Last evaluated: 2026-04-14. Review status: criteria provided, single submitter. Criteria: Genomenon Sequence Variant Interpretation Standards - Updated. Collection method: curation. Allele origin: germline. Affected: no.
Comment: ABCB4 c.287-61C>T is an intronic variant located in intron 4. This variant is present at high allele frequency in population databases. We classify ABCB4 c.287-61C>T as a benign variant.

GeneDx
Classification: Benign. Last evaluated: 2021-05-10. Review status: criteria provided, single submitter. Criteria: GeneDx Variant Classification Process June 2021. Collection method: clinical testing. Allele origin: germline. Affected: yes.

Breakthrough Genomics
Classification: Benign. Review status: criteria provided, single submitter. Criteria: ACMG Guidelines, 2015. Collection method: not provided. Allele origin: germline. Inheritance: Autosomal recessive inheritance. Affected: yes.

NM_000443.4(ABCB4):c.287-61C>T

Gene: ABCB4 (ATP binding cassette subfamily B member 4; minus strand). Cytogenetic location: 7q21.12.
Variant type: single nucleotide variant.
Coding change: c.287-61C>T on transcript NM_000443.4 (MANE Select); 61 bases into the intron before coding-DNA position 287, C replaced by T.
Molecular consequence: intron variant.
Genome position (GRCh38, 1-based): chr7:87,454,653, G>A on the plus strand (C>T on the coding strand, the complement: ABCB4 is on the minus strand). VCF-style: chr7-87454653-G-A. GRCh37 (hg19) VCF-style: chr7-87083969-G-A.
Other names: c.287-61C>T (NM_018850.3, NM_018849.3).
Identifiers: ClinVar variation 1247297 (VCV001247297.4), dbSNP rs45626341, ClinGen allele CA12635479.